The following is an entry in ClinVar:

NM_001104631.2(PDE4D):c.*5118T>G

Gene: PDE4D (phosphodiesterase 4D; minus strand). Cytogenetic location: 5q11.2.
Variant type: single nucleotide variant.
Coding change: c.*5118T>G on transcript NM_001104631.2 (MANE Select); 5118 bases downstream of the stop codon, T replaced by G.
Molecular consequence: 3 prime UTR variant.
Genome position (GRCh38, 1-based): chr5:58,969,546, A>C on the plus strand (T>G on the coding strand, the complement: PDE4D is on the minus strand). VCF-style: chr5-58969546-A-C. GRCh37 (hg19) VCF-style: chr5-58265373-A-C.
Other names: c.*5118T>G (NM_001165899.2, NM_001197218.2, NM_001197219.2 and 11 more transcripts).
Identifiers: ClinVar variation 353914 (VCV000353914.6), dbSNP rs11959349, ClinGen allele CA10624794.

ClinVar aggregate classification (germline): Benign. Review status: criteria provided, multiple submitters, no conflicts (2 of 4 stars). 2 submissions from 2 submitters: Benign (2). Last evaluated 2018-01-12.

Conditions:
Acrodysostosis 2 with or without hormone resistance. Also called: ACRODYSOSTOSIS 2 WITH HORMONE RESISTANCE; ACRODYSOSTOSIS 2 WITHOUT HORMONE RESISTANCE. Identifiers: Orphanet 280651, MedGen C3553250, MONDO:0013822, OMIM 614613.

Allele frequency attached by ClinVar (database versions not stated): TOPMed 0.15660; 1000 Genomes Project 0.16094; gnomAD 0.16126 and 0.16159; 1000 Genomes Project 30x 0.16490; gnomAD exomes 0.30000.
gnomAD v4.1: 24,469 of 152,094 alleles (16%); highest among the groups gnomAD compares: Admixed American, 19%; 2,098 homozygotes.

Submissions (2):

Illumina Laboratory Services, Illumina
Classification: Benign for Acrodysostosis 2 with or without hormone resistance. Last evaluated: 2018-01-12. Review status: criteria provided, single submitter. Criteria: ICSL Variant Classification Criteria 13 December 2019. Collection method: clinical testing. Allele origin: germline.
Comment: This variant was observed in the ICSL laboratory as part of a predisposition screen in an ostensibly healthy population. It had not been previously curated by ICSL or reported in the Human Gene Mutation Database (HGMD: prior to June 1st, 2018), and was therefore a candidate for classification through an automated scoring system. Utilizing variant allele frequency, disease prevalence and penetrance estimates, and inheritance mode, an automated score was calculated to assess if this variant is too frequent to cause the disease. Based on the score and internal cut-off values, a variant classified as benign is not then subjected to further curation. The score for this variant resulted in a classification of benign for this disease.

Breakthrough Genomics
Classification: Benign. Review status: criteria provided, single submitter. Criteria: ACMG Guidelines, 2015. Collection method: not provided. Allele origin: germline. Inheritance: Autosomal dominant inheritance. Affected: yes.